The following is an entry in ClinVar:

ClinVar aggregate classification (germline): Uncertain significance (1 of 4 stars; one submission).

Allele frequency attached by ClinVar (database versions not stated): gnomAD 0.00002 and 0.00003; TOPMed 0.00002; ExAC 0.00003; 1000 Genomes Project 0.00020; 1000 Genomes Project 30x 0.00031.

Submission:

Labcorp Genetics (formerly Invitae), Labcorp
Classification: Uncertain significance. Last evaluated: 2022-08-22. Review status: criteria provided, single submitter. Criteria: Invitae Variant Classification Sherloc (09022015). Collection method: clinical testing. Allele origin: germline.
Comment: This sequence change replaces alanine, which is neutral and non-polar, with threonine, which is neutral and polar, at codon 998 of the TUBGCP6 protein (p.Ala998Thr). This variant is present in population databases (rs200646866, gnomAD 0.008%). This variant has not been reported in the literature in individuals affected with TUBGCP6-related conditions. ClinVar contains an entry for this variant (Variation ID: 1447889). Algorithms developed to predict the effect of missense changes on protein structure and function output the following: SIFT: "Tolerated"; PolyPhen-2: "Benign"; Align-GVGD: "Class C0". The threonine amino acid residue is found in multiple mammalian species, which suggests that this missense change does not adversely affect protein function. In summary, the available evidence is currently insufficient to determine the role of this variant in disease. Therefore, it has been classified as a Variant of Uncertain Significance.

NM_020461.4(TUBGCP6):c.2992G>A (p.Ala998Thr)

Gene: TUBGCP6 (tubulin gamma complex component 6; minus strand). Cytogenetic location: 22q13.33.
Variant type: single nucleotide variant.
Coding change: c.2992G>A on transcript NM_020461.4 (MANE Select); coding-DNA position 2992, G replaced by A.
Protein change: p.Ala998Thr; replaces alanine 998 with threonine.
Molecular consequence: missense variant.
Genome position (GRCh38, 1-based): chr22:50,221,367, C>T on the plus strand (G>A on the coding strand, the complement: TUBGCP6 is on the minus strand). VCF-style: chr22-50221367-C-T. GRCh37 (hg19) VCF-style: chr22-50659796-C-T.
Other names: short protein forms A998T.
Identifiers: ClinVar variation 1447889 (VCV001447889.5), dbSNP rs200646866, ClinGen allele CA10308077.